The following is an entry in ClinVar:

NM_015030.2(FRYL):c.1168T>C (p.Phe390Leu)

Gene: FRYL (FRY like transcription coactivator; minus strand). Cytogenetic location: 4p11.
Variant type: single nucleotide variant.
Coding change: c.1168T>C on transcript NM_015030.2 (MANE Select); coding-DNA position 1168, T replaced by C.
Protein change: p.Phe390Leu; replaces phenylalanine 390 with leucine.
Molecular consequence: missense variant.
Genome position (GRCh38, 1-based): chr4:48,595,670, A>G on the plus strand (T>C on the coding strand, the complement: FRYL is on the minus strand). VCF-style: chr4-48595670-A-G. GRCh37 (hg19) VCF-style: chr4-48597687-A-G.
Other names: short protein forms F390L.
Identifiers: ClinVar variation 4685420 (VCV004685420.1).

ClinVar aggregate classification (germline): Uncertain significance (1 of 4 stars; one submission).

Submission:

GeneDx
Classification: Uncertain significance. Last evaluated: 2025-07-09. Review status: criteria provided, single submitter. Criteria: GeneDx Variant Classification Process June 2021. Collection method: clinical testing. Allele origin: germline. Affected: yes.
Comment: Not observed at significant frequency in large population cohorts (gnomAD); In silico analysis supports that this missense variant has a deleterious effect on protein structure/function; Has not been previously published as pathogenic or benign to our knowledge